The following is an entry in ClinVar:

NM_015627.3(LDLRAP1):c.66G>T (p.Trp22Cys)

Genes: LDLRAP1 (low density lipoprotein receptor adaptor protein 1; plus strand), LOC129929773 (ATAC-STARR-seq lymphoblastoid silent region 456; plus strand). Cytogenetic location: 1p36.11.
Variant type: single nucleotide variant.
Coding change: c.66G>T on transcript NM_015627.3 (MANE Select); coding-DNA position 66, G replaced by T.
Protein change: p.Trp22Cys; replaces tryptophan 22 with cysteine.
Molecular consequence: missense variant.
Genome position (GRCh38, 1-based): chr1:25,543,764, G>T. VCF-style: chr1-25543764-G-T. GRCh37 (hg19) VCF-style: chr1-25870255-G-T.
Other names: short protein forms W22C.
Identifiers: ClinVar variation 1754991 (VCV001754991.4), dbSNP rs532723373, ClinGen allele CA19669470.
Genomic context (GRCh38, chr1:25,543,764, plus strand): 5'-CGCGCTCAAGTCGGCGGGGCGGGCGCTGATCCGGAGCCCCAGCTTGGCCAAGCAGAGCTG[G>T]GGGGGCGGTGGCCGGCACCGCAGTGAGTGTGCGCGCGTCAGCCGGGCCGGGCCGGGATCG-3'
Protein context (NP_056442.2, residues 12-32): IRSPSLAKQS[Trp22Cys]GGGGRHRKLP

ClinVar aggregate classification (germline): Uncertain significance. Review status: criteria provided, multiple submitters, no conflicts (2 of 4 stars). 2 submissions from 2 submitters: Uncertain significance (2). Last evaluated 2026-03-13.

Conditions:
Cardiovascular phenotype. Identifiers: MedGen CN230736.

Allele frequency attached by ClinVar (database versions not stated): TOPMed 0.00003; 1000 Genomes Project 30x 0.00016; 1000 Genomes Project 0.00020.
gnomAD v4.1: 8 of 1,209,832 alleles (0.00066%); highest among the groups gnomAD compares: East Asian, 0.0034%; no homozygotes.

Submissions (2):

Women's Health and Genetics/Laboratory Corporation of America, LabCorp
Classification: Uncertain significance. Last evaluated: 2026-03-13. Review status: criteria provided, single submitter. Criteria: LabCorp Variant Classification Summary - May 2015. Collection method: clinical testing. Allele origin: germline.

Ambry Genetics
Classification: Uncertain significance for Cardiovascular phenotype. Last evaluated: 2025-07-21. Review status: criteria provided, single submitter. Criteria: Ambry Variant Classification Scheme 2023. Collection method: clinical testing. Allele origin: germline.
Comment: The p.W22C variant (also known as c.66G>T), located in coding exon 1 of the LDLRAP1 gene, results from a G to T substitution at nucleotide position 66. The tryptophan at codon 22 is replaced by cysteine, an amino acid with highly dissimilar properties. This amino acid position is well conserved in available vertebrate species. In addition, this alteration is predicted to be tolerated by in silico analysis. Since supporting evidence is limited at this time, the clinical significance of this alteration remains unclear.